The following is an entry in ClinVar:

ClinVar aggregate classification (germline): Uncertain significance (1 of 4 stars; one submission).

Conditions:
Tumor predisposition syndrome 3 (TPDS3). Also called: LONG TELOMERE SYNDROME, POT1-RELATED; POT1 Tumor Predisposition; Melanoma, cutaneous malignant, susceptibility to, 10; Glioma susceptibility 9. Identifiers: Orphanet 618, MedGen C4014476, MONDO:0014368, OMIM 615848.

Allele frequency attached by ClinVar (database versions not stated): gnomAD exomes below 0.00001; gnomAD 0.00001.
gnomAD v4.1: 2 of 1,567,440 alleles (0.00013%); highest among the groups gnomAD compares: Non-Finnish European, 0.00017%; no homozygotes.

Submission:

Labcorp Genetics (formerly Invitae), Labcorp
Classification: Uncertain significance for Tumor predisposition syndrome 3. Last evaluated: 2023-07-10. Review status: criteria provided, single submitter. Criteria: Invitae Variant Classification Sherloc (09022015). Collection method: clinical testing. Allele origin: germline.
Comment: This variant has not been reported in the literature in individuals affected with POT1-related conditions. This variant is present in population databases (no rsID available, gnomAD no frequency). This sequence change replaces glycine, which is neutral and non-polar, with arginine, which is basic and polar, at codon 236 of the POT1 protein (p.Gly236Arg). In summary, the available evidence is currently insufficient to determine the role of this variant in disease. Therefore, it has been classified as a Variant of Uncertain Significance. Algorithms developed to predict the effect of sequence changes on RNA splicing suggest that this variant may disrupt the consensus splice site. Advanced modeling of protein sequence and biophysical properties (such as structural, functional, and spatial information, amino acid conservation, physicochemical variation, residue mobility, and thermodynamic stability) performed at Invitae indicates that this missense variant is not expected to disrupt POT1 protein function. ClinVar contains an entry for this variant (Variation ID: 1948961).

NM_015450.3(POT1):c.706G>A (p.Gly236Arg)

Gene: POT1 (protection of telomeres 1; minus strand). Cytogenetic location: 7q31.33.
Variant type: single nucleotide variant.
Coding change: c.706G>A on transcript NM_015450.3 (MANE Select); coding-DNA position 706, G replaced by A.
Protein change: p.Gly236Arg; replaces glycine 236 with arginine.
Molecular consequence: missense variant. On other transcripts: non-coding transcript variant (3).
Genome position (GRCh38, 1-based): chr7:124,853,135, C>T on the plus strand (G>A on the coding strand, the complement: POT1 is on the minus strand). VCF-style: chr7-124853135-C-T. GRCh37 (hg19) VCF-style: chr7-124493189-C-T.
Other names: c.313G>A, p.Gly105Arg (NM_001042594.2); short protein forms G105R, G236R.
Identifiers: ClinVar variation 1948961 (VCV001948961.5), dbSNP rs1390602475, ClinGen allele CA369055763.